The following is an entry in ClinVar:

ClinVar aggregate classification (germline): Benign/Likely benign. Review status: criteria provided, multiple submitters, no conflicts (2 of 4 stars). 13 submissions from 13 submitters: Benign (8); Likely benign (2). 3 of the submissions do not count toward it. Last evaluated 2026-02-03.

Conditions:
Tay-Sachs disease (TSD). Also called: HEXA Disorders; GM2 gangliosidosis, type 1; Hexosaminidase alpha-subunit deficiency (variant B); Sphingolipidosis, Tay-Sachs; HEXA DEFICIENCY; Hexosaminidase A Deficiency. Identifiers: Orphanet 845, MedGen C0039373, MONDO:0010100, OMIM 272800.

Allele frequency attached by ClinVar (database versions not stated): 1000 Genomes Project 0.01438; gnomAD 0.01494 and 0.01603; TOPMed 0.01498; 1000 Genomes Project 30x 0.01515; ESP Exome Variant Server 0.01909; gnomAD exomes 0.01909 and 0.02373; ExAC 0.01969.
gnomAD v4.1: 31,630 of 1,390,626 alleles (2.3%); highest among the groups gnomAD compares: South Asian, 4.7%; 478 homozygotes.

Submissions (13):

Labcorp Genetics (formerly Invitae), Labcorp
Classification: Benign for Tay-Sachs disease. Last evaluated: 2026-02-03. Review status: criteria provided, single submitter. Criteria: Invitae Variant Classification Sherloc (09022015). Collection method: clinical testing. Allele origin: germline.

ARUP Laboratories, Molecular Genetics and Genomics, ARUP Laboratories
Classification: Benign. Last evaluated: 2025-07-09. Review status: criteria provided, single submitter. Criteria: ARUP Molecular Germline Variant Investigation Process 2024. Collection method: clinical testing. Allele origin: germline.

Molecular Genetics, Royal Melbourne Hospital
Classification: Benign for Tay-Sachs disease. Last evaluated: 2023-05-04. Review status: criteria provided, single submitter. Criteria: ACMG Guidelines, 2015. Collection method: clinical testing. Allele origin: germline. Affected: yes.
Comment: South Asian population allele frequency is 4.368% (rs117160567, 1395/30540 alleles, 49 homozygotes in gnomAD v2.1). Based on the classification scheme RMH Modified ACMG/AMP Guidelines v1.3.2, this variant is classified as BENIGN. Following criteria are met: BA1

Genome-Nilou Lab
Classification: Benign for Tay-Sachs disease. Last evaluated: 2021-06-10. Review status: criteria provided, single submitter. Criteria: ACMG Guidelines, 2015. Collection method: clinical testing. Allele origin: germline. Affected: no.

GeneDx
Classification: Likely benign. Last evaluated: 2019-04-19. Review status: criteria provided, single submitter. Criteria: GeneDx Variant Classification Process June 2021. Collection method: clinical testing. Allele origin: germline. Affected: yes.
Comment: This variant is associated with the following publications: (PMID: 9150157, 28492530, 22723944, 27535533, 27884173, 7717398)

Eurofins Ntd Llc (ga)
Classification: Benign. Last evaluated: 2017-12-30. Review status: criteria provided, single submitter. Criteria: EGL Classification Definitions 2015. Collection method: clinical testing. Allele origin: germline. Observed: 1 variant allele, 1 heterozygote.

Laboratory for Molecular Medicine, Mass General Brigham Personalized Medicine
Classification: Benign. Last evaluated: 2016-03-28. Review status: criteria provided, single submitter. Criteria: LMM Criteria. Collection method: clinical testing. Allele origin: germline.
Comment: Variant identified in a genome or exome case(s) and assessed due to predicted null impact of the variant or pathogenic assertions in the literature or databases. Disclaimer: This variant has not undergone full assessment. The following are preliminary notes: frequency. OB 12/23/15: 4.6% freq in South Asian chr

Breakthrough Genomics
Classification: Likely benign. Review status: criteria provided, single submitter. Criteria: ACMG Guidelines, 2015. Collection method: not provided. Allele origin: germline. Inheritance: Autosomal recessive inheritance. Affected: yes.

Broad Center for Mendelian Genomics, Broad Institute of MIT and Harvard
Classification: Benign for Tay-Sachs disease. Review status: criteria provided, single submitter. Criteria: ACMG Guidelines, 2015. Collection method: research. Allele origin: germline. Inheritance: Autosomal recessive inheritance. Affected: yes.
Comment: The c.672+30T>G variant in HEXA has been identified in at least 1 Tay-Sachs disease carrier (PMID: 7717398), and has been identified in >4% of South Asian chromosomes and 43 homozygotes by ExAC. In summary, this variant meets criteria to be classified as benign for Tay-Sachs disease.

PreventionGenetics, part of Exact Sciences
Classification: Benign. Review status: criteria provided, single submitter. Criteria: ACMG Guidelines, 2015. Collection method: clinical testing. Allele origin: germline.

Mayo Clinic Laboratories, Mayo Clinic
Classification: Benign. Last evaluated: 2017-04-05. Review status: no assertion criteria provided. Collection method: clinical testing. Allele origin: unknown. Not counted in ClinVar's aggregate classification.

Foundation for Research in Genetics and Endocrinology, FRIGE's Institute of Human Genetics
Classification: Pathogenic for Tay-Sachs disease. Last evaluated: 2011-03-22. Review status: no assertion criteria provided. Collection method: research. Allele origin: germline. Inheritance: Autosomal recessive inheritance. Affected: yes. Observed: 1 heterozygote. Not counted in ClinVar's aggregate classification.

Department of Pathology and Laboratory Medicine, Sinai Health System
Classification: Benign. Review status: no assertion criteria provided. Collection method: clinical testing. Allele origin: unknown. Affected: yes. Study: The Canadian Open Genetics Repository (COGR). Not counted in ClinVar's aggregate classification.
Comment: The HEXA c.705+30T>G variant was not identified in the ClinVar, Cosmic, MutDB or LOVD 3.0 databases. The variant was identified in dbSNP (ID: rs117160567) and in control databases in 5209 of 282340 chromosomes (93 homozygous) at a frequency of 0.018449 increasing the likelihood this could be a low frequency benign variant (Genome Aggregation Database Feb 27, 2017). The variant was observed in the following populations: South Asian in 1395 of 30540 chromosomes (freq: 0.04568), European (non-Finnish) in 2954 of 128924 chromosomes (freq: 0.02291), Ashkenazi Jewish in 197 of 10352 chromosomes (freq: 0.01903), Other in 114 of 7212 chromosomes (freq: 0.01581), European (Finnish) in 194 of 25090 chromosomes (freq: 0.007732), Latino in 246 of 35372 chromosomes (freq: 0.006955), African in 105 of 24924 chromosomes (freq: 0.004213) and East Asian in 4 of 19926 chromosomes (freq: 0.000201). This variant was identified in an unaffected carrier with another disease-causing mutation for Tay-Sachs disease, suggesting that this variant is not associated with disease (Triggs-Rainer_1995_PMID:7717398). The c.705+30T>G variant occurs outside the splicing consensus sequence and is not predicted to have an impact on splicing by 4 of 4 in silico splicing softwares (SpliceSiteFinder-Like, MaxEntScan, NNSplice, GeneSplicer). In summary, based on the above information this variant meets our laboratory's criteria to be classified as benign.

Literature cited by the submitters: PubMed 22723944 (cited by Foundation for Research in Genetics and Endocrinology, FRIGE's Institute of Human Genetics).

NM_000520.6(HEXA):c.672+30T>G

Gene: HEXA (hexosaminidase subunit alpha; minus strand). Cytogenetic location: 15q23.
Variant type: single nucleotide variant.
Coding change: c.672+30T>G on transcript NM_000520.6 (MANE Select); 30 bases into the intron after coding-DNA position 672, T replaced by G.
Molecular consequence: intron variant.
Genome position (GRCh38, 1-based): chr15:72,351,103, A>C on the plus strand (T>G on the coding strand, the complement: HEXA is on the minus strand). VCF-style: chr15-72351103-A-C. GRCh37 (hg19) VCF-style: chr15-72643444-A-C.
Other names: c.705+30T>G (NM_001318825.2).
Identifiers: ClinVar variation 256351 (VCV000256351.36), dbSNP rs117160567, ClinGen allele CA7644928.
Genomic context (GRCh38, chr15:72,351,103, plus strand): 5'-TAGGATGAGAGACCCTGTTCTTGCCAGCAGGGCCACAGCCAGATTCAGACATTGACCCAT[A>C]AACTTGGTCTGAGTGAAACGGGAACATACCTTTCTCATGAGCTCTGGAAAAGTGAAGCTC-3'